The following is an entry in ClinVar:

NM_001165963.4(SCN1A):c.1796_1803dup (p.Glu602fs)

Gene: SCN1A (sodium voltage-gated channel alpha subunit 1; minus strand). Cytogenetic location: 2q24.3.
Variant type: Duplication.
Coding change: c.1796_1803dup on transcript NM_001165963.4 (MANE Select); coding-DNA positions 1796 to 1803, 8 bases duplicated (AGGATAAC; older notation c.1796_1803dupAGGATAAC).
Protein change: p.Glu602fs; shifts the reading frame from glutamic acid 602.
Molecular consequence: frameshift variant. On other transcripts: 5 prime UTR variant (1), non-coding transcript variant (1).
Genome position (GRCh38, 1-based): chr2:166,043,909-166,043,916, GTTATCCT duplicated on the plus strand (AGGATAAC on the coding strand, the reverse complement: SCN1A is on the minus strand). VCF-style (leftmost placement, unchanged base first): chr2-166043908-C-CGTTATCCT. GRCh37 (hg19) VCF-style: chr2-166900418-C-CGTTATCCT.
Other names: c.1796_1803dup, p.Glu602fs (NM_001165964.3, NM_001202435.3, NM_001353948.2 and 7 more transcripts); c.1793_1800dup, p.Glu601fs (NM_001353954.2, NM_001353955.2, NM_001353960.2); c.-630_-623dup (NM_001353961.2); short protein forms E601fs, E602fs.
Identifiers: ClinVar variation 852890 (VCV000852890.9), dbSNP rs1697473667, ClinGen allele CA916082243.

ClinVar aggregate classification (germline): Pathogenic (1 of 4 stars; one submission).

Conditions:
Early-infantile DEE. Also called: Ohtahara syndrome; Early infantile epileptic encephalopathy with suppression bursts; Early infantile epileptic encephalopathy. Identifiers: Orphanet 1934, MedGen C0393706, MONDO:0800491.

Submission:

Labcorp Genetics (formerly Invitae), Labcorp
Classification: Pathogenic for Early-infantile DEE. Last evaluated: 2019-12-14. Review status: criteria provided, single submitter. Criteria: Invitae Variant Classification Sherloc (09022015). Collection method: clinical testing. Allele origin: germline.
Comment: For these reasons, this variant has been classified as Pathogenic. Loss-of-function variants in SCN1A are known to be pathogenic (PMID: 17347258, 18930999). This variant has not been reported in the literature in individuals with SCN1A-related conditions. This variant is not present in population databases (ExAC no frequency). This sequence change creates a premature translational stop signal (p.Glu602Argfs*24) in the SCN1A gene. It is expected to result in an absent or disrupted protein product.

Literature cited by the submitters: PubMed 17347258; PubMed 18930999.